The following is an entry in ClinVar:

NM_000379.4(XDH):c.3084C>T (p.Gly1028=)

Gene: XDH (xanthine dehydrogenase; minus strand). Cytogenetic location: 2p23.1.
Variant type: single nucleotide variant.
Coding change: c.3084C>T on transcript NM_000379.4 (MANE Select); coding-DNA position 3084, C replaced by T.
Protein change: p.Gly1028=; no amino-acid change (glycine 1028 retained).
Molecular consequence: synonymous variant.
Genome position (GRCh38, 1-based): chr2:31,348,331, G>A on the plus strand (C>T on the coding strand, the complement: XDH is on the minus strand). VCF-style: chr2-31348331-G-A. GRCh37 (hg19) VCF-style: chr2-31571197-G-A.
Other names: p.Gly1028=.
Identifiers: ClinVar variation 335765 (VCV000335765.22), dbSNP rs45604135, ClinGen allele CA1598562.

ClinVar aggregate classification (germline): Benign/Likely benign. Review status: criteria provided, multiple submitters, no conflicts (2 of 4 stars). 7 submissions from 7 submitters: Benign (4); Likely benign (3). Last evaluated 2026-01-28.

Conditions:
Xanthinuria type II. Also called: Xanthine dehydrogenase and aldehyde oxidase combined deficiency of; XDH and AOX dual deficiency. Identifiers: Orphanet 3467, Orphanet 93602, MedGen C1863688, MONDO:0011346, OMIM 603592.
Hereditary xanthinuria type 1 (XAN1). Identifiers: Orphanet 3467, Orphanet 93601, MedGen C0268118, MONDO:0010209, OMIM 278300.

Allele frequency attached by ClinVar (database versions not stated): gnomAD 0.01745 and 0.01858; 1000 Genomes Project 0.01957; ESP Exome Variant Server 0.01976; TOPMed 0.02038; 1000 Genomes Project 30x 0.02139.
gnomAD v4.1: 5,772 of 1,614,172 alleles (0.36%); highest among the groups gnomAD compares: African/African-American, 6.3%; 159 homozygotes.

Submissions (7):

Labcorp Genetics (formerly Invitae), Labcorp
Classification: Benign for Xanthinuria type II. Last evaluated: 2026-01-28. Review status: criteria provided, single submitter. Criteria: Invitae Variant Classification Sherloc (09022015). Collection method: clinical testing. Allele origin: germline.

Mayo Clinic Laboratories, Mayo Clinic
Classification: Benign. Last evaluated: 2022-10-30. Review status: criteria provided, single submitter. Criteria: ACMG Guidelines, 2015. Collection method: clinical testing. Allele origin: germline. Observed: 4 variant alleles.

Genome-Nilou Lab
Classification: Benign for Hereditary xanthinuria type 1. Last evaluated: 2021-12-05. Review status: criteria provided, single submitter. Criteria: ACMG Guidelines, 2015. Collection method: clinical testing. Allele origin: germline. Affected: no.

Fulgent Genetics
Classification: Likely benign for Hereditary xanthinuria type 1. Last evaluated: 2021-10-05. Review status: criteria provided, single submitter. Criteria: ACMG Guidelines, 2015. Collection method: clinical testing. Allele origin: unknown.

GeneDx
Classification: Benign. Last evaluated: 2021-05-06. Review status: criteria provided, single submitter. Criteria: GeneDx Variant Classification Process June 2021. Collection method: clinical testing. Allele origin: germline. Affected: yes.

Illumina Laboratory Services, Illumina
Classification: Likely benign for Hereditary xanthinuria type 1. Last evaluated: 2017-04-27. Review status: criteria provided, single submitter. Criteria: ICSL Variant Classification Criteria 13 December 2019. Collection method: clinical testing. Allele origin: germline.
Comment: This variant was observed as part of a predisposition screen in an ostensibly healthy population. A literature search was performed for the gene, cDNA change, and amino acid change (where applicable). No publications were found based on this search. Allele frequency data from public databases allowed determination this variant is unlikely to cause disease. Therefore, this variant is classified as likely benign.

Breakthrough Genomics
Classification: Likely benign. Review status: criteria provided, single submitter. Criteria: ACMG Guidelines, 2015. Collection method: not provided. Allele origin: germline. Inheritance: Autosomal recessive inheritance. Affected: yes.